The following is an entry in ClinVar:

ClinVar aggregate classification (germline): Uncertain significance (1 of 4 stars; one submission).

Allele frequency attached by ClinVar (database versions not stated): gnomAD exomes below 0.00001; ExAC 0.00001.

Submission:

Labcorp Genetics (formerly Invitae), Labcorp
Classification: Uncertain significance. Last evaluated: 2022-02-08. Review status: criteria provided, single submitter. Criteria: Invitae Variant Classification Sherloc (09022015). Collection method: clinical testing. Allele origin: germline.
Comment: This sequence change replaces serine, which is neutral and polar, with isoleucine, which is neutral and non-polar, at codon 10 of the TIMMDC1 protein (p.Ser10Ile). This variant is present in population databases (rs766224492, gnomAD 0.0009%). This variant has not been reported in the literature in individuals affected with TIMMDC1-related conditions. Algorithms developed to predict the effect of missense changes on protein structure and function (SIFT, PolyPhen-2, Align-GVGD) all suggest that this variant is likely to be tolerated. In summary, the available evidence is currently insufficient to determine the role of this variant in disease. Therefore, it has been classified as a Variant of Uncertain Significance.

NM_016589.4(TIMMDC1):c.29G>T (p.Ser10Ile)

Gene: TIMMDC1 (translocase of inner mitochondrial membrane domain containing 1; plus strand). Cytogenetic location: 3q13.33.
Variant type: single nucleotide variant.
Coding change: c.29G>T on transcript NM_016589.4 (MANE Select); coding-DNA position 29, G replaced by T.
Protein change: p.Ser10Ile; replaces serine 10 with isoleucine.
Molecular consequence: missense variant.
Genome position (GRCh38, 1-based): chr3:119,498,762, G>T. VCF-style: chr3-119498762-G-T. GRCh37 (hg19) VCF-style: chr3-119217609-G-T.
Other names: short protein forms S10I.
Identifiers: ClinVar variation 1896404 (VCV001896404.5), dbSNP rs766224492, ClinGen allele CA2555089.